The following is an entry in ClinVar:

ClinVar aggregate classification (germline): Uncertain significance. Review status: criteria provided, multiple submitters, no conflicts (2 of 4 stars). 3 submissions from 3 submitters: Uncertain significance (3). Last evaluated 2024-12-22.

Allele frequency attached by ClinVar (database versions not stated): gnomAD exomes 0.00001; ExAC 0.00002; gnomAD 0.00004; TOPMed 0.00005; 1000 Genomes Project 0.00020; 1000 Genomes Project 30x 0.00047.
gnomAD v4.1: 29 of 1,613,702 alleles (0.0018%); highest among the groups gnomAD compares: East Asian, 0.0089%; no homozygotes.

Submissions (3):

Labcorp Genetics (formerly Invitae), Labcorp
Classification: Uncertain significance. Last evaluated: 2024-12-22. Review status: criteria provided, single submitter. Criteria: Invitae Variant Classification Sherloc (09022015). Collection method: clinical testing. Allele origin: germline.
Comment: This sequence change replaces arginine, which is basic and polar, with tryptophan, which is neutral and slightly polar, at codon 592 of the A2ML1 protein (p.Arg592Trp). This variant is present in population databases (rs748309907, gnomAD 0.005%). This variant has not been reported in the literature in individuals affected with A2ML1-related conditions. ClinVar contains an entry for this variant (Variation ID: 929083). An algorithm developed to predict the effect of missense changes on protein structure and function (PolyPhen-2) suggests that this variant is likely to be disruptive. In summary, the available evidence is currently insufficient to determine the role of this variant in disease. Therefore, it has been classified as a Variant of Uncertain Significance.

Ambry Genetics
Classification: Uncertain significance. Last evaluated: 2023-12-22. Review status: criteria provided, single submitter. Criteria: Ambry Variant Classification Scheme 2023. Collection method: clinical testing. Allele origin: germline.

Women's Health and Genetics/Laboratory Corporation of America, LabCorp
Classification: Uncertain significance. Last evaluated: 2022-05-09. Review status: criteria provided, single submitter. Criteria: LabCorp Variant Classification Summary - May 2015. Collection method: clinical testing. Allele origin: germline.
Comment: Variant summary: A2ML1 c.1774C>T (p.Arg592Trp) results in a non-conservative amino acid change located in the Alpha-2-macroglobulin, bait region domain (IPR011625) of the encoded protein sequence. Four of five in-silico tools predict a benign effect of the variant on protein function. The variant allele was found at a frequency of 1.2e-05 in 248844 control chromosomes. The available data on variant occurrences in the general population are insufficient to allow any conclusion about variant significance. To our knowledge, no occurrence of c.1774C>T in individuals affected with Noonan Syndrome and no experimental evidence demonstrating its impact on protein function have been reported. One clinical diagnostic laboratory has submitted clinical-significance assessments for this variant to ClinVar after 2014 without evidence for independent evaluation. One laboratory classified the variant as uncertain significance. Based on the evidence outlined above, the variant was classified as uncertain significance.

NM_144670.6(A2ML1):c.1774C>T (p.Arg592Trp)

Gene: A2ML1 (alpha-2-macroglobulin like 1; plus strand). Cytogenetic location: 12p13.31.
Variant type: single nucleotide variant.
Coding change: c.1774C>T on transcript NM_144670.6 (MANE Select); coding-DNA position 1774, C replaced by T.
Protein change: p.Arg592Trp; replaces arginine 592 with tryptophan.
Molecular consequence: missense variant.
Genome position (GRCh38, 1-based): chr12:8,847,639, C>T. VCF-style: chr12-8847639-C-T. GRCh37 (hg19) VCF-style: chr12-9000235-C-T.
Other names: c.301C>T, p.Arg101Trp (NM_001282424.3); c.1774C>T (NM_144670.3); short protein forms R101W, R592W.
Identifiers: ClinVar variation 929083 (VCV000929083.10), dbSNP rs748309907, ClinGen allele CA6435810.